The following is an entry in ClinVar:

ClinVar aggregate classification (germline): Uncertain significance (1 of 4 stars; one submission).

Conditions:
Inborn genetic diseases. Identifiers: MedGen C0950123, MeSH D030342.

Submission:

Ambry Genetics
Classification: Uncertain significance for Inborn genetic diseases. Last evaluated: 2025-07-14. Review status: criteria provided, single submitter. Criteria: Ambry Variant Classification Scheme 2023. Collection method: clinical testing. Allele origin: germline.
Comment: The p.N213K variant (also known as c.639T>A), located in coding exon 7 of the FANCA gene, results from a T to A substitution at nucleotide position 639. The asparagine at codon 213 is replaced by lysine, an amino acid with similar properties. This amino acid position is conserved. In addition, this alteration is predicted to be tolerated by in silico analysis. Based on the available evidence, the clinical significance of this variant remains unclear.

NM_000135.4(FANCA):c.639T>A (p.Asn213Lys)

Gene: FANCA (FA complementation group A; minus strand). Cytogenetic location: 16q24.3.
Variant type: single nucleotide variant.
Coding change: c.639T>A on transcript NM_000135.4 (MANE Select); coding-DNA position 639, T replaced by A.
Protein change: p.Asn213Lys; replaces asparagine 213 with lysine.
Molecular consequence: missense variant.
Genome position (GRCh38, 1-based): chr16:89,805,350, A>T on the plus strand (T>A on the coding strand, the complement: FANCA is on the minus strand). VCF-style: chr16-89805350-A-T. GRCh37 (hg19) VCF-style: chr16-89871758-A-T.
Other names: c.639T>A, p.Asn213Lys (NM_001018112.3, NM_001286167.3); c.543T>A, p.Asn181Lys (NM_001351830.2); short protein forms N181K, N213K.
Identifiers: ClinVar variation 4254201 (VCV004254201.1).
Genomic context (GRCh38, chr16:89,805,350, plus strand): 5'-GGCCCTGGCGACGTCAGCATGCTGGCAGGATGCTTCCATCTGTTCACAAAGGCAGCACAG[A>T]TTCCTGAAGAGCCACGATCCCACAGCATGCATGTCGGGATGGCTGGAGACACACACAGAG-3'
Protein context (NP_000126.2, residues 203-223): MHAVGSWLFR[Asn213Lys]LCCLCEQMEA